The following is an entry in ClinVar:

NM_201384.3(PLEC):c.12650C>T (p.Ser4217Leu)

Gene: PLEC (plectin; minus strand). Cytogenetic location: 8q24.3.
Variant type: single nucleotide variant.
Coding change: c.12650C>T on transcript NM_201384.3 (MANE Select); coding-DNA position 12650, C replaced by T.
Protein change: p.Ser4217Leu; replaces serine 4217 with leucine.
Molecular consequence: missense variant.
Genome position (GRCh38, 1-based): chr8:143,917,171, G>A on the plus strand (C>T on the coding strand, the complement: PLEC is on the minus strand). VCF-style: chr8-143917171-G-A. GRCh37 (hg19) VCF-style: chr8-144991339-G-A.
Other names: c.12662C>T, p.Ser4221Leu (NM_201383.3); c.12731C>T, p.Ser4244Leu (NM_000445.5); c.12608C>T, p.Ser4203Leu (NM_201378.4); c.12584C>T, p.Ser4195Leu (NM_201379.3); c.13061C>T, p.Ser4354Leu (NM_201380.4); c.12554C>T, p.Ser4185Leu (NM_201381.3); c.12650C>T, p.Ser4217Leu (NM_201382.4); short protein forms S4221L, S4185L, S4203L, S4354L, S4217L, S4244L, S4195L.
Identifiers: ClinVar variation 595619 (VCV000595619.13), dbSNP rs782268573, ClinGen allele CA4924027.

ClinVar aggregate classification (germline): Uncertain significance. Review status: criteria provided, multiple submitters, no conflicts (2 of 4 stars). 3 submissions from 3 submitters: Uncertain significance (3). Last evaluated 2026-01-17.

Conditions:
Epidermolysis bullosa simplex 5B, with muscular dystrophy (EBS5B). Also called: Epidermolysis bullosa simplex with muscular dystrophy; EPIDERMOLYSIS BULLOSA SIMPLEX AND LIMB-GIRDLE MUSCULAR DYSTROPHY. Identifiers: Orphanet 257, MedGen C2931072, MONDO:0009181, OMIM 226670.
Epidermolysis bullosa simplex, Ogna type (EBS5A). Also called: Pidermolysis bullosa simplex 5A, Ogna type; EPIDERMOLYSIS BULLOSA SIMPLEX 5A, OGNA TYPE. Identifiers: Orphanet 79401, MedGen C0432317, MONDO:0007555, OMIM 131950.
Epidermolysis bullosa simplex with nail dystrophy (EBS5D). Identifiers: MedGen C4225309, MONDO:0014661, OMIM 616487.
Autosomal recessive limb-girdle muscular dystrophy type 2Q (LGMDR17). Also called: MUSCULAR DYSTROPHY, LIMB-GIRDLE, AUTOSOMAL RECESSIVE 17. Identifiers: Orphanet 254361, MedGen C3150989, MONDO:0013390, OMIM 613723.
Epidermolysis bullosa simplex 5C, with pyloric atresia (EBS5C). Also called: PLEC-Related Epidermolysis Bullosa with Pyloric Atresia; Epidermolysis bullosa simplex with pyloric atresia; PLEC1-Related Epidermolysis Bullosa with Pyloric Atresia. Identifiers: Orphanet 158684, MedGen C2677349, MONDO:0012807, OMIM 612138.

Allele frequency attached by ClinVar (database versions not stated): ExAC 0.00001; gnomAD exomes 0.00002 and 0.00003; TOPMed 0.00002; gnomAD 0.00003.
gnomAD v4.1: 52 of 1,611,754 alleles (0.0032%); highest among the groups gnomAD compares: Non-Finnish European, 0.0038%; no homozygotes.

Submissions (3):

Labcorp Genetics (formerly Invitae), Labcorp
Classification: Uncertain significance for Autosomal recessive limb-girdle muscular dystrophy type 2Q; Epidermolysis bullosa simplex, Ogna type; Epidermolysis bullosa simplex with nail dystrophy; Epidermolysis bullosa simplex 5C, with pyloric atresia; Epidermolysis bullosa simplex 5B, with muscular dystrophy. Last evaluated: 2026-01-17. Review status: criteria provided, single submitter. Criteria: Invitae Variant Classification Sherloc (09022015). Collection method: clinical testing. Allele origin: germline.
Comment: This sequence change replaces serine, which is neutral and polar, with leucine, which is neutral and non-polar, at codon 4244 of the PLEC protein (p.Ser4244Leu). This variant is present in population databases (rs782268573, gnomAD 0.004%). This variant has not been reported in the literature in individuals affected with PLEC-related conditions. ClinVar contains an entry for this variant (Variation ID: 595619). Invitae Evidence Modeling of protein sequence and biophysical properties (such as structural, functional, and spatial information, amino acid conservation, physicochemical variation, residue mobility, and thermodynamic stability) indicates that this missense variant is not expected to disrupt PLEC protein function with a negative predictive value of 80%. In summary, the available evidence is currently insufficient to determine the role of this variant in disease. Therefore, it has been classified as a Variant of Uncertain Significance.

Revvity Omics, Revvity
Classification: Uncertain significance. Last evaluated: 2023-03-01. Review status: criteria provided, single submitter. Criteria: ACMG Guidelines, 2015. Collection method: clinical testing. Allele origin: germline.

Eurofins Ntd Llc (ga)
Classification: Uncertain significance. Last evaluated: 2017-12-29. Review status: criteria provided, single submitter. Criteria: EGL Classification Definitions 2015. Collection method: clinical testing. Allele origin: germline. Observed: 1 variant allele, 1 heterozygote.